The following is an entry in ClinVar:

NM_020737.3(LRFN2):c.1231G>C (p.Gly411Arg)

Gene: LRFN2 (leucine rich repeat and fibronectin type III domain containing 2; minus strand). Cytogenetic location: 6p21.2.
Variant type: single nucleotide variant.
Coding change: c.1231G>C on transcript NM_020737.3 (MANE Select); coding-DNA position 1231, G replaced by C.
Protein change: p.Gly411Arg; replaces glycine 411 with arginine.
Molecular consequence: missense variant.
Genome position (GRCh38, 1-based): chr6:40,431,883, C>G on the plus strand (G>C on the coding strand, the complement: LRFN2 is on the minus strand). VCF-style: chr6-40431883-C-G. GRCh37 (hg19) VCF-style: chr6-40399622-C-G.
Other names: c.1231G>C (NM_020737.1); short protein forms G411R.
Identifiers: ClinVar variation 3025511 (VCV003025511.23), dbSNP rs150417685, ClinGen allele CA3796833.

ClinVar aggregate classification (germline): Uncertain significance. Review status: criteria provided, multiple submitters, no conflicts (2 of 4 stars). 2 submissions from 2 submitters: Uncertain significance (2). Last evaluated 2024-01-01.

Allele frequency attached by ClinVar (database versions not stated): ExAC 0.00001; gnomAD 0.00001; TOPMed 0.00003.
gnomAD v4.1: 12 of 1,607,148 alleles (0.00075%); highest among the groups gnomAD compares: Middle Eastern, 0.05%; no homozygotes.

Submissions (2):

CeGaT Center for Human Genetics Tuebingen
Classification: Uncertain significance. Last evaluated: 2024-01-01. Review status: criteria provided, single submitter. Criteria: CeGaT Center For Human Genetics Tuebingen Variant Classification Criteria Version 2. Collection method: clinical testing. Allele origin: germline. Affected: yes. Observed: 1 variant allele.
Comment: LRFN2: PM2, BP4

Ambry Genetics
Classification: Uncertain significance. Last evaluated: 2023-11-17. Review status: criteria provided, single submitter. Criteria: Ambry Variant Classification Scheme 2023. Collection method: clinical testing. Allele origin: germline.